The following is an entry in ClinVar:

ClinVar aggregate classification (germline): Conflicting classifications of pathogenicity. Review status: criteria provided, conflicting classifications (1 of 4 stars). 2 submissions from 2 submitters: Uncertain significance (1); Likely benign (1). Last evaluated 2023-10-20.

Allele frequency attached by ClinVar (database versions not stated): gnomAD exomes 0.00001; TOPMed 0.00001; gnomAD 0.00002; ExAC 0.00003.
gnomAD v4.1: 23 of 1,607,622 alleles (0.0014%); highest among the groups gnomAD compares: Middle Eastern, 0.082%; no homozygotes.

Submissions (2):

Women's Health and Genetics/Laboratory Corporation of America, LabCorp
Classification: Uncertain significance. Last evaluated: 2023-10-20. Review status: criteria provided, single submitter. Criteria: LabCorp Variant Classification Summary - May 2015. Collection method: clinical testing. Allele origin: germline.
Comment: Variant summary: C5 c.4083A>G (p.Val1361Val) alters a conserved nucleotide located close to a canonical splice site and therefore could affect mRNA splicing, leading to a significantly altered protein sequence. Consensus agreement among computation tools predict no significant impact on normal splicing. However, these predictions have yet to be confirmed by functional studies. The variant allele was found at a frequency of 2.4e-05 in 250976 control chromosomes. The available data on variant occurrences in the general population are insufficient to allow any conclusion about variant significance. To our knowledge, no occurrence of c.4083A>G in individuals affected with C5 Deficiency and no experimental evidence demonstrating its impact on protein function have been reported. One submitter has cited clinical-significance assessments for this variant to ClinVar after 2014 and has classified the variant as likely benign. Based on the evidence outlined above, the variant was classified as uncertain significance.

Labcorp Genetics (formerly Invitae), Labcorp
Classification: Likely benign. Last evaluated: 2022-08-28. Review status: criteria provided, single submitter. Criteria: Invitae Variant Classification Sherloc (09022015). Collection method: clinical testing. Allele origin: germline.

NM_001735.3(C5):c.4083A>G (p.Val1361=)

Gene: C5 (complement C5; minus strand). Cytogenetic location: 9q33.2.
Variant type: single nucleotide variant.
Coding change: c.4083A>G on transcript NM_001735.3 (MANE Select); coding-DNA position 4083, A replaced by G.
Protein change: p.Val1361=; no amino-acid change (valine 1361 retained).
Molecular consequence: synonymous variant.
Genome position (GRCh38, 1-based): chr9:120,970,249, T>C on the plus strand (A>G on the coding strand, the complement: C5 is on the minus strand). VCF-style: chr9-120970249-T-C. GRCh37 (hg19) VCF-style: chr9-123732527-T-C.
Other names: c.4101A>G, p.Val1367= (NM_001317163.2).
Identifiers: ClinVar variation 2167894 (VCV002167894.5), dbSNP rs758685448, ClinGen allele CA5217296.